The following is an entry in ClinVar:

ClinVar aggregate classification (germline): Pathogenic (1 of 4 stars; one submission).

Submission:

GeneDx
Classification: Pathogenic. Last evaluated: 2025-04-21. Review status: criteria provided, single submitter. Criteria: GeneDx Variant Classification Process June 2021. Collection method: clinical testing. Allele origin: germline. Affected: yes.
Comment: Not observed at significant frequency in large population cohorts (gnomAD); In silico analysis supports that this missense variant has a deleterious effect on protein structure/function; This variant is associated with the following publications: (PMID: 33658040, 29237946, 36732629, 31451716, 35084689, Younger2019[CaseReport], 31106991, 31920941, 36380532, 30706699, 28322004, 37434390)

NM_020745.4(AARS2):c.452T>C (p.Met151Thr)

Gene: AARS2 (alanyl-tRNA synthetase 2, mitochondrial; minus strand). Cytogenetic location: 6p21.1.
Variant type: single nucleotide variant.
Coding change: c.452T>C on transcript NM_020745.4 (MANE Select); coding-DNA position 452, T replaced by C.
Protein change: p.Met151Thr; replaces methionine 151 with threonine.
Molecular consequence: missense variant.
Genome position (GRCh38, 1-based): chr6:44,311,519, A>G on the plus strand (T>C on the coding strand, the complement: AARS2 is on the minus strand). VCF-style: chr6-44311519-A-G. GRCh37 (hg19) VCF-style: chr6-44279256-A-G.
Other names: c.452T>C (NM_020745.2); short protein forms M151T.
Identifiers: ClinVar variation 4528275 (VCV004528275.1), dbSNP rs1413442820.